The following is an entry in ClinVar:

ClinVar aggregate classification (germline): Uncertain significance (1 of 4 stars; one submission).

Conditions:
Ichthyosis linearis circumflexa. Identifiers: MedGen C0265962, MONDO:0043106, HP:0025810.

Submission:

Labcorp Genetics (formerly Invitae), Labcorp
Classification: Uncertain significance for Ichthyosis linearis circumflexa. Last evaluated: 2022-08-23. Review status: criteria provided, single submitter. Criteria: Invitae Variant Classification Sherloc (09022015). Collection method: clinical testing. Allele origin: germline.
Comment: This variant has not been reported in the literature in individuals affected with SPINK5-related conditions. In summary, the available evidence is currently insufficient to determine the role of this variant in disease. Therefore, it has been classified as a Variant of Uncertain Significance. Experimental studies and prediction algorithms are not available or were not evaluated, and the functional significance of this variant is currently unknown. ClinVar contains an entry for this variant (Variation ID: 1354896). This variant is not present in population databases (gnomAD no frequency). This variant, c.2505_2507del, results in the deletion of 1 amino acid(s) of the SPINK5 protein (p.Arg835del), but otherwise preserves the integrity of the reading frame.

NM_006846.4(SPINK5):c.2505_2507del (p.Arg835del)

Gene: SPINK5 (serine peptidase inhibitor Kazal type 5; plus strand). Cytogenetic location: 5q32.
Variant type: Deletion.
Coding change: c.2505_2507del on transcript NM_006846.4 (MANE Select); coding-DNA positions 2505 to 2507, 3 bases deleted (GAG; older notation c.2505_2507delGAG).
Protein change: p.Arg835del; deletes arginine 835.
Molecular consequence: inframe deletion.
Genome position (GRCh38, 1-based): chr5:148,120,358-148,120,360, GAG deleted; deleting any 3 consecutive bases within chr5:148,120,356-148,120,360 gives the same sequence; the c. name uses the placement nearest the transcript's 3' end. VCF-style (leftmost placement, unchanged base first): chr5-148120355-AAGG-A. GRCh37 (hg19) VCF-style: chr5-147499918-AAGG-A.
Other names: c.2505_2507del, p.Arg835del (NM_001127698.2, NM_001127699.2); short protein forms R835del.
Identifiers: ClinVar variation 1354896 (VCV001354896.6), dbSNP rs778002683, ClinGen allele CA128937247.
Genomic context (GRCh38, chr5:148,120,355, plus strand): 5'-GGAAAGGGAAGCAGCTGAAAAAAAAAAGAAAGAGGATGAAGACAGGAGCAATACAGGAGA[AAGG>A]AGCAATACAGGAGAAAGGAGCAATGACAAAGAGGTAATAGATGTTAGACACGCTAATACC-3'